The following is an entry in ClinVar:

ClinVar aggregate classification (germline): Uncertain significance (1 of 4 stars; one submission).

Conditions:
T-B+ severe combined immunodeficiency due to JAK3 deficiency. Also called: SCID, T CELL-NEGATIVE, B CELL-POSITIVE, NK CELL-NEGATIVE; SCID, autosomal recessive, T-negative/B-positive type. Identifiers: Orphanet 35078, MedGen C1833275, MONDO:0010938, OMIM 600802.

Allele frequency attached by ClinVar (database versions not stated): gnomAD 0.00001.
gnomAD v4.1: 8 of 1,608,162 alleles (0.0005%); highest among the groups gnomAD compares: East Asian, 0.0022%; no homozygotes.

Submission:

Labcorp Genetics (formerly Invitae), Labcorp
Classification: Uncertain significance for T-B+ severe combined immunodeficiency due to JAK3 deficiency. Last evaluated: 2023-06-23. Review status: criteria provided, single submitter. Criteria: Invitae Variant Classification Sherloc (09022015). Collection method: clinical testing. Allele origin: germline.
Comment: This sequence change replaces proline, which is neutral and non-polar, with threonine, which is neutral and polar, at codon 37 of the JAK3 protein (p.Pro37Thr). This variant is not present in population databases (gnomAD no frequency). This variant has not been reported in the literature in individuals affected with JAK3-related conditions. Advanced modeling of protein sequence and biophysical properties (such as structural, functional, and spatial information, amino acid conservation, physicochemical variation, residue mobility, and thermodynamic stability) performed at Invitae indicates that this missense variant is not expected to disrupt JAK3 protein function. In summary, the available evidence is currently insufficient to determine the role of this variant in disease. Therefore, it has been classified as a Variant of Uncertain Significance.

NM_000215.4(JAK3):c.109C>A (p.Pro37Thr)

Gene: JAK3 (Janus kinase 3; minus strand). Cytogenetic location: 19p13.11.
Variant type: single nucleotide variant.
Coding change: c.109C>A on transcript NM_000215.4 (MANE Select); coding-DNA position 109, C replaced by A.
Protein change: p.Pro37Thr; replaces proline 37 with threonine.
Molecular consequence: missense variant.
Genome position (GRCh38, 1-based): chr19:17,844,309, G>T on the plus strand (C>A on the coding strand, the complement: JAK3 is on the minus strand). VCF-style: chr19-17844309-G-T. GRCh37 (hg19) VCF-style: chr19-17955118-G-T.
Other names: short protein forms P37T.
Identifiers: ClinVar variation 2794529 (VCV002794529.3), dbSNP rs955716335, ClinGen allele CA404775238.